The following is an entry in ClinVar:

NM_006785.4(MALT1):c.1903T>C (p.Phe635Leu)

Gene: MALT1 (MALT1 paracaspase; plus strand). Cytogenetic location: 18q21.32.
Variant type: single nucleotide variant.
Coding change: c.1903T>C on transcript NM_006785.4 (MANE Select); coding-DNA position 1903, T replaced by C.
Protein change: p.Phe635Leu; replaces phenylalanine 635 with leucine.
Molecular consequence: missense variant.
Genome position (GRCh38, 1-based): chr18:58,744,487, T>C. VCF-style: chr18-58744487-T-C. GRCh37 (hg19) VCF-style: chr18-56411719-T-C.
Other names: c.1870T>C, p.Phe624Leu (NM_173844.3); short protein forms F635L, F624L.
Identifiers: ClinVar variation 2132681 (VCV002132681.4), dbSNP rs2511567511, ClinGen allele CA402576052.
Genomic context (GRCh38, chr18:58,744,487, plus strand): 5'-TATACAAGTATAGTTTACAAACCACCGGAGATAATAATGTGTGATGCCTACGTTACTGAT[T>C]TTCCACTTGTGAGTCTCTTCTTTTATTTAAAATACAGTGATATATTCTCACTTATTAAAG-3'
Protein context (NP_006776.1, residues 625-645): IIMCDAYVTD[Phe635Leu]PLDLDIDPKD

ClinVar aggregate classification (germline): Uncertain significance (1 of 4 stars; one submission).

Conditions:
Combined immunodeficiency due to MALT1 deficiency. Also called: Immunodeficiency 12. Identifiers: Orphanet 397964, MedGen C3809583, MONDO:0014197, OMIM 615468.

Submission:

Labcorp Genetics (formerly Invitae), Labcorp
Classification: Uncertain significance for Combined immunodeficiency due to MALT1 deficiency. Last evaluated: 2022-05-03. Review status: criteria provided, single submitter. Criteria: Invitae Variant Classification Sherloc (09022015). Collection method: clinical testing. Allele origin: germline.
Comment: This sequence change replaces phenylalanine, which is neutral and non-polar, with leucine, which is neutral and non-polar, at codon 635 of the MALT1 protein (p.Phe635Leu). In summary, the available evidence is currently insufficient to determine the role of this variant in disease. Therefore, it has been classified as a Variant of Uncertain Significance. Algorithms developed to predict the effect of missense changes on protein structure and function (SIFT, PolyPhen-2, Align-GVGD) all suggest that this variant is likely to be tolerated. This variant has not been reported in the literature in individuals affected with MALT1-related conditions. This variant is not present in population databases (gnomAD no frequency).